The following is an entry in ClinVar:

ClinVar aggregate classification (germline): Uncertain significance (1 of 4 stars; one submission).

Conditions:
Glycogen storage disease due to muscle beta-enolase deficiency (GSD13). Also called: ENOLASE 3 DEFICIENCY; ENOLASE-BETA DEFICIENCY; GSD XIII; Glycogen Storage Disease Type XIII. Identifiers: Orphanet 99849, MedGen C2752027, MONDO:0013046, OMIM 612932.

Allele frequency attached by ClinVar (database versions not stated): TOPMed 0.00002.
gnomAD v4.1: 35 of 1,614,016 alleles (0.0022%); highest among the groups gnomAD compares: African/African-American, 0.0053%; no homozygotes.

Submission:

Labcorp Genetics (formerly Invitae), Labcorp
Classification: Uncertain significance for Glycogen storage disease due to muscle beta-enolase deficiency. Last evaluated: 2023-11-27. Review status: criteria provided, single submitter. Criteria: Invitae Variant Classification Sherloc (09022015). Collection method: clinical testing. Allele origin: germline.
Comment: This sequence change falls in intron 6 of the ENO3 gene. It does not directly change the encoded amino acid sequence of the ENO3 protein. It affects a nucleotide within the consensus splice site. This variant is present in population databases (no rsID available, gnomAD 0.003%). This variant has not been reported in the literature in individuals affected with ENO3-related conditions. ClinVar contains an entry for this variant (Variation ID: 2150100). Variants that disrupt the consensus splice site are a relatively common cause of aberrant splicing (PMID: 17576681, 9536098). Algorithms developed to predict the effect of sequence changes on RNA splicing suggest that this variant may disrupt the consensus splice site. In summary, the available evidence is currently insufficient to determine the role of this variant in disease. Therefore, it has been classified as a Variant of Uncertain Significance.

Literature cited by the submitters: PubMed 17576681; PubMed 9536098.

NM_053013.4(ENO3):c.444+5G>A

Gene: ENO3 (enolase 3; plus strand). Cytogenetic location: 17p13.2.
Variant type: single nucleotide variant.
Coding change: c.444+5G>A on transcript NM_053013.4 (MANE Select); 5 bases into the intron after coding-DNA position 444, G replaced by A.
Molecular consequence: intron variant.
Genome position (GRCh38, 1-based): chr17:4,953,850, G>A. VCF-style: chr17-4953850-G-A. GRCh37 (hg19) VCF-style: chr17-4857145-G-A.
Other names: c.471+5G>A (NM_001374524.1); c.444+5G>A (NM_001976.5, NM_001374523.1); c.315+5G>A (NM_001193503.2).
Identifiers: ClinVar variation 2150100 (VCV002150100.4), dbSNP rs375750458, ClinGen allele CA624628878.
Genomic context (GRCh38, chr17:4,953,850, plus strand): 5'-TGTACCGCCACATCGCAGATCTCGCTGGGAACCCTGACCTCATACTCCCAGTGCCAGTGA[G>A]TGCAGCTACCCGCCCTTCCCAGATCTCGCCTGGACAGAGCCAACCCCGCCCAGCCAGGGT-3'